The following is an entry in ClinVar:

NM_198994.3(TGM6):c.862T>C (p.Leu288=)

Gene: TGM6 (transglutaminase 6; plus strand). Cytogenetic location: 20p13.
Variant type: single nucleotide variant.
Coding change: c.862T>C on transcript NM_198994.3 (MANE Select); coding-DNA position 862, T replaced by C.
Protein change: p.Leu288=; no amino-acid change (leucine 288 retained).
Molecular consequence: synonymous variant.
Genome position (GRCh38, 1-based): chr20:2,400,317, T>C. VCF-style: chr20-2400317-T-C. GRCh37 (hg19) VCF-style: chr20-2380963-T-C.
Other names: c.862T>C, p.Leu288= (NM_001254734.2).
Identifiers: ClinVar variation 4682410 (VCV004682410.1).

ClinVar aggregate classification (germline): Likely benign (1 of 4 stars; one submission).

gnomAD v4.1: 1 of 1,614,036 alleles (0.000062%); highest among the groups gnomAD compares: Non-Finnish European, 0.000085%; no homozygotes.

Submission:

Athena Diagnostics
Classification: Likely benign. Last evaluated: 2025-08-05. Review status: criteria provided, single submitter. Criteria: Athena Diagnostics Criteria. Collection method: clinical testing. Allele origin: unknown.
Comment: Computational tools yielded predictions that this variant is unlikely to have an effect on normal RNA splicing. This nucleotide position exhibits low evolutionary conservation.